The following is an entry in ClinVar:

NM_007317.3(KIF22):c.1553G>A (p.Arg518His)

Gene: KIF22 (kinesin family member 22; plus strand). Cytogenetic location: 16p11.2.
Variant type: single nucleotide variant.
Coding change: c.1553G>A on transcript NM_007317.3 (MANE Select); coding-DNA position 1553, G replaced by A.
Protein change: p.Arg518His; replaces arginine 518 with histidine.
Molecular consequence: missense variant.
Genome position (GRCh38, 1-based): chr16:29,803,552, G>A. VCF-style: chr16-29803552-G-A. GRCh37 (hg19) VCF-style: chr16-29814873-G-A.
Other names: c.1349G>A, p.Arg450His (NM_001256269.2, NM_001256270.1); short protein forms R450H, R518H.
Identifiers: ClinVar variation 2225953 (VCV002225953.5), dbSNP rs773977158, ClinGen allele CA7993326.

ClinVar aggregate classification (germline): Uncertain significance. Review status: criteria provided, multiple submitters, no conflicts (2 of 4 stars). 2 submissions from 2 submitters: Uncertain significance (2). Last evaluated 2023-07-25.

Allele frequency attached by ClinVar (database versions not stated): gnomAD 0.00001; TOPMed 0.00001; ExAC 0.00002.

Submissions (2):

Labcorp Genetics (formerly Invitae), Labcorp
Classification: Uncertain significance. Last evaluated: 2023-07-25. Review status: criteria provided, single submitter. Criteria: Invitae Variant Classification Sherloc (09022015). Collection method: clinical testing. Allele origin: germline.
Comment: This sequence change replaces arginine, which is basic and polar, with histidine, which is basic and polar, at codon 518 of the KIF22 protein (p.Arg518His). This variant is present in population databases (rs773977158, gnomAD 0.003%). This variant has not been reported in the literature in individuals affected with KIF22-related conditions. ClinVar contains an entry for this variant (Variation ID: 2225953). Advanced modeling of protein sequence and biophysical properties (such as structural, functional, and spatial information, amino acid conservation, physicochemical variation, residue mobility, and thermodynamic stability) performed at Invitae indicates that this missense variant is not expected to disrupt KIF22 protein function. In summary, the available evidence is currently insufficient to determine the role of this variant in disease. Therefore, it has been classified as a Variant of Uncertain Significance.

Ambry Genetics
Classification: Uncertain significance. Last evaluated: 2022-01-05. Review status: criteria provided, single submitter. Criteria: Ambry Variant Classification Scheme 2023. Collection method: clinical testing. Allele origin: germline.